The following is an entry in ClinVar:

NM_002485.5(NBN):c.2184+6_2184+8del

Gene: NBN (nibrin; minus strand). Cytogenetic location: 8q21.3.
Variant type: Microsatellite.
Coding change: c.2184+6_2184+8del on transcript NM_002485.5 (MANE Select); bases 6 to 8 of the intron after coding-DNA position 2184, 3 bases deleted (TAG; older notation c.2184+6_2184+8delTAG).
Molecular consequence: intron variant.
Genome position (GRCh38, 1-based): chr8:89,943,245-89,943,247, CTA deleted on the plus strand (TAG on the coding strand, the reverse complement: NBN is on the minus strand); deleting any 3 consecutive bases within chr8:89,943,245-89,943,250 gives the same sequence; the c. name uses the placement nearest the transcript's 3' end. VCF-style (leftmost placement, unchanged base first): chr8-89943244-CCTA-C. GRCh37 (hg19) VCF-style: chr8-90955472-CCTA-C.
Other names: c.1938+6_1938+8del (NM_001024688.3).
Identifiers: ClinVar variation 929202 (VCV000929202.1), dbSNP rs1810028870, ClinGen allele CA1139660628.

ClinVar aggregate classification (germline): Uncertain significance (1 of 4 stars; one submission).

Submission:

Women's Health and Genetics/Laboratory Corporation of America, LabCorp
Classification: Uncertain significance. Last evaluated: 2019-03-12. Review status: criteria provided, single submitter. Criteria: LabCorp Variant Classification Summary - May 2015. Collection method: clinical testing. Allele origin: germline.
Comment: Variant summary: NBN c.2184+6_2184+8delTAG alters a non-conserved nucleotide located close to a canonical splice site and therefore could affect mRNA splicing, leading to a significantly altered protein sequence. The variant was absent in 246054 control chromosomes (gnomAD). The available data on variant occurrences in the general population are insufficient to allow any conclusion about variant significance. To our knowledge, no occurrence of c.2184+6_2184+8delTAG in individuals affected with Nijmegen Breakage Syndrome and no experimental evidence demonstrating its impact on protein function have been reported. No clinical diagnostic laboratories have submitted clinical-significance assessments for this variant to ClinVar after 2014. Based on the evidence outlined above, the variant was classified as uncertain significance.